The following is an entry in ClinVar:

ClinVar aggregate classification (germline): Uncertain significance. Review status: criteria provided, multiple submitters, no conflicts (2 of 4 stars). 2 submissions from 2 submitters: Uncertain significance (2). Last evaluated 2024-10-24.

Conditions:
Developmental and epileptic encephalopathy, 19 (DEE19). Also called: Epileptic encephalopathy, early infantile, 19. Identifiers: Orphanet 33069, MedGen C3810400, MONDO:0014328, OMIM 615744.
Epilepsy, idiopathic generalized, susceptibility to, 13. Also called: EPILEPSY, JUVENILE MYOCLONIC, SUSCEPTIBILITY TO, 5. Identifiers: Orphanet 307, Orphanet 64280, MedGen C4013473, MONDO:0012627, OMIM 611136.
Epilepsy, childhood absence 4 (ECA4). Also called: EPILEPSY, CHILDHOOD ABSENCE, SUSCEPTIBILITY TO, 4. Identifiers: Orphanet 307, MedGen C1970160.
Idiopathic generalized epilepsy. Also called: Generalised epilepsy; EIG. Identifiers: MedGen C0270850, MONDO:0005579, OMIM 600669.

Allele frequency attached by ClinVar (database versions not stated): gnomAD exomes below 0.00001.
gnomAD v4.1: 1 of 1,614,066 alleles (0.000062%); highest among the groups gnomAD compares: Non-Finnish European, 0.000085%; no homozygotes.

Submissions (2):

Labcorp Genetics (formerly Invitae), Labcorp
Classification: Uncertain significance for Epilepsy, childhood absence 4; Epilepsy, idiopathic generalized, susceptibility to, 13; Idiopathic generalized epilepsy. Last evaluated: 2024-10-24. Review status: criteria provided, single submitter. Criteria: Invitae Variant Classification Sherloc (09022015). Collection method: clinical testing. Allele origin: germline.
Comment: This sequence change replaces proline, which is neutral and non-polar, with serine, which is neutral and polar, at codon 370 of the GABRA1 protein (p.Pro370Ser). This variant is not present in population databases (gnomAD no frequency). This variant has not been reported in the literature in individuals affected with GABRA1-related conditions. ClinVar contains an entry for this variant (Variation ID: 930252). Invitae Evidence Modeling of protein sequence and biophysical properties (such as structural, functional, and spatial information, amino acid conservation, physicochemical variation, residue mobility, and thermodynamic stability) indicates that this missense variant is not expected to disrupt GABRA1 protein function with a negative predictive value of 80%. In summary, the available evidence is currently insufficient to determine the role of this variant in disease. Therefore, it has been classified as a Variant of Uncertain Significance.

Centre for Mendelian Genomics, University Medical Centre Ljubljana
Classification: Uncertain significance for Developmental and epileptic encephalopathy, 19. Last evaluated: 2020-01-22. Review status: criteria provided, single submitter. Criteria: ACMG Guidelines, 2015. Collection method: clinical testing. Allele origin: unknown. Affected: yes.
Comment: This variant was classified as: Uncertain significance. The available evidence on this variant's pathogenicity is insufficient or conflicting. The following ACMG criteria were applied in classifying this variant: PM2,PP2,BP4.

NM_001127644.2(GABRA1):c.1108C>T (p.Pro370Ser)

Gene: GABRA1 (gamma-aminobutyric acid type A receptor subunit alpha1; plus strand). Cytogenetic location: 5q34.
Variant type: single nucleotide variant.
Coding change: c.1108C>T on transcript NM_001127644.2 (MANE Select); coding-DNA position 1108, C replaced by T.
Protein change: p.Pro370Ser; replaces proline 370 with serine.
Molecular consequence: missense variant.
Genome position (GRCh38, 1-based): chr5:161,897,159, C>T. VCF-style: chr5-161897159-C-T. GRCh37 (hg19) VCF-style: chr5-161324165-C-T.
Other names: c.1108C>T, p.Pro370Ser (NM_000806.5, NM_001127643.2, NM_001127645.2 and 1 more transcripts); short protein forms P370S.
Identifiers: ClinVar variation 930252 (VCV000930252.8), dbSNP rs1424508480, ClinGen allele CA362180673.